The following is an entry in ClinVar:

ClinVar aggregate classification (germline): Uncertain significance. Review status: criteria provided, multiple submitters, no conflicts (2 of 4 stars). 2 submissions from 2 submitters: Uncertain significance (2). Last evaluated 2025-06-15.

Allele frequency attached by ClinVar (database versions not stated): gnomAD exomes below 0.00001.
gnomAD v4.1: 2 of 1,601,648 alleles (0.00012%); highest among the groups gnomAD compares: Non-Finnish European, 0.00017%; no homozygotes.

Submissions (2):

Labcorp Genetics (formerly Invitae), Labcorp
Classification: Uncertain significance. Last evaluated: 2025-06-15. Review status: criteria provided, single submitter. Criteria: Invitae Variant Classification Sherloc (09022015). Collection method: clinical testing. Allele origin: germline.
Comment: This sequence change replaces glutamic acid, which is acidic and polar, with glycine, which is neutral and non-polar, at codon 86 of the APOA4 protein (p.Glu86Gly). This variant is not present in population databases (gnomAD no frequency). This variant has not been reported in the literature in individuals affected with APOA4-related conditions. ClinVar contains an entry for this variant (Variation ID: 2534934). Invitae Evidence Modeling of protein sequence and biophysical properties (such as structural, functional, and spatial information, amino acid conservation, physicochemical variation, residue mobility, and thermodynamic stability) indicates that this missense variant is not expected to disrupt APOA4 protein function with a negative predictive value of 80%. In summary, the available evidence is currently insufficient to determine the role of this variant in disease. Therefore, it has been classified as a Variant of Uncertain Significance.

Ambry Genetics
Classification: Uncertain significance. Last evaluated: 2023-04-07. Review status: criteria provided, single submitter. Criteria: Ambry Variant Classification Scheme 2023. Collection method: clinical testing. Allele origin: germline.

NM_000482.4(APOA4):c.257A>G (p.Glu86Gly)

Gene: APOA4 (apolipoprotein A4; minus strand). Cytogenetic location: 11q23.3.
Variant type: single nucleotide variant.
Coding change: c.257A>G on transcript NM_000482.4 (MANE Select); coding-DNA position 257, A replaced by G.
Protein change: p.Glu86Gly; replaces glutamic acid 86 with glycine.
Molecular consequence: missense variant.
Genome position (GRCh38, 1-based): chr11:116,821,801, T>C on the plus strand (A>G on the coding strand, the complement: APOA4 is on the minus strand). VCF-style: chr11-116821801-T-C. GRCh37 (hg19) VCF-style: chr11-116692517-T-C.
Other names: short protein forms E86G.
Identifiers: ClinVar variation 2534934 (VCV002534934.3), dbSNP rs1941329497, ClinGen allele CA382703836.
Genomic context (GRCh38, chr11:116,821,801, plus strand): 5'-AGCTCCTTCCCAATCTCCTCCTTCAGTTTCTCCGAGTCCTTGGCCAGGCGTTCATGCAGC[T>C]CGGTGGCAAAGGGCACCAGCTTCTTCTGCAGGTCACCTGCGTAAGTGTTCACTTCTCCAA-3'
Protein context (NP_000473.2, residues 76-96): LQKKLVPFAT[Glu86Gly]LHERLAKDSE